The following is an entry in ClinVar:

NM_000092.5(COL4A4):c.2084G>T (p.Gly695Val)

Gene: COL4A4 (collagen type IV alpha 4 chain; minus strand). Cytogenetic location: 2q36.3.
Variant type: single nucleotide variant.
Coding change: c.2084G>T on transcript NM_000092.5 (MANE Select); coding-DNA position 2084, G replaced by T.
Protein change: p.Gly695Val; replaces glycine 695 with valine.
Molecular consequence: missense variant.
Genome position (GRCh38, 1-based): chr2:227,060,216, C>A on the plus strand (G>T on the coding strand, the complement: COL4A4 is on the minus strand). VCF-style: chr2-227060216-C-A. GRCh37 (hg19) VCF-style: chr2-227924932-C-A.
Other names: short protein forms G695V.
Identifiers: ClinVar variation 4817304 (VCV004817304.1).
Genomic context (GRCh38, chr2:227,060,216, plus strand): 5'-GCTGTTCCTGGTGTGCCAGGTCTGCCTTTATGCCCATCTGAACCACTCAGCCCAGGGGCA[C>A]CTTGGGGACCTGGAAATCCCTTCGGACCTAAACAATAATAAAAACAAAACACAGACTCAA-3'
Protein context (NP_000083.3, residues 685-705): PGPKGFPGPQ[Gly695Val]APGLSGSDGH

ClinVar aggregate classification (germline): Likely pathogenic (1 of 4 stars; one submission).

Conditions:
Alport syndrome. Also called: Hemorrhagic familial nephritis; Hemorrhagic hereditary nephritis; Congenital hereditary hematuria. Identifiers: Orphanet 63, MedGen C1567741, MONDO:0018965.

Submission:

Natera, Inc.
Classification: Likely pathogenic for Alport syndrome. Last evaluated: 2025-02-19. Review status: criteria provided, single submitter. Criteria: Natera Variant Classification Schema (03/2026). Collection method: clinical testing. Allele origin: germline.
Comment: The c.2084G>T variant in COL4A4 is a missense variant predicted to cause substitution of glycine to valine at amino acid 695. This variant is rare in the general population with a frequency below the threshold expected for the associated phenotype(s). This variant is located in a functionally critical region of the protein. A different variant at the same position has been determined to be Pathogenic or Likely Pathogenic. Computational prediction algorithms indicate this variant is likely to affect gene or protein function. Given the available evidence, this variant is classified as Likely Pathogenic.